The following is an entry in ClinVar:

ClinVar aggregate classification (germline): Uncertain significance. Review status: criteria provided, multiple submitters, no conflicts (2 of 4 stars). 4 submissions from 4 submitters: Uncertain significance (4). Last evaluated 2024-09-05.

Conditions:
Meckel syndrome, type 8. Identifiers: Orphanet 564, MedGen C3836857, MONDO:0013482, OMIM 613885.
Joubert syndrome 24 (JBTS24). Identifiers: Orphanet 475, MedGen C4084841, MONDO:0014724, OMIM 616654.
Joubert syndrome. Also called: Familial aplasia of the vermis; CEREBELLOPARENCHYMAL DISORDER IV; JOUBERT-BOLTSHAUSER SYNDROME. Identifiers: Orphanet 475, MedGen C5979921, MONDO:0018772.
Meckel-Gruber syndrome. Also called: Dysencephalia splachnocystica; DYSENCEPHALIA SPLANCHNOCYSTICA; GRUBER SYNDROME. Identifiers: Orphanet 564, MedGen C0265215, MONDO:0018921.
Inborn genetic diseases. Identifiers: MedGen C0950123, MeSH D030342.

Allele frequency attached by ClinVar (database versions not stated): gnomAD exomes 0.00002 and 0.00004; ExAC 0.00003; gnomAD 0.00009 and 0.00010; 1000 Genomes Project 30x 0.00016; 1000 Genomes Project 0.00020; TOPMed 0.00024.
gnomAD v4.1: 41 of 1,613,144 alleles (0.0025%); highest among the groups gnomAD compares: Admixed American, 0.032%; no homozygotes.

Submissions (4):

Labcorp Genetics (formerly Invitae), Labcorp
Classification: Uncertain significance for Joubert syndrome; Meckel-Gruber syndrome. Last evaluated: 2024-09-05. Review status: criteria provided, single submitter. Criteria: Invitae Variant Classification Sherloc (09022015). Collection method: clinical testing. Allele origin: germline.
Comment: This sequence change replaces alanine, which is neutral and non-polar, with threonine, which is neutral and polar, at codon 575 of the TCTN2 protein (p.Ala575Thr). This variant is present in population databases (rs202157566, gnomAD 0.02%). This variant has not been reported in the literature in individuals affected with TCTN2-related conditions. ClinVar contains an entry for this variant (Variation ID: 1040783). Invitae Evidence Modeling of protein sequence and biophysical properties (such as structural, functional, and spatial information, amino acid conservation, physicochemical variation, residue mobility, and thermodynamic stability) indicates that this missense variant is not expected to disrupt TCTN2 protein function with a negative predictive value of 80%. In summary, the available evidence is currently insufficient to determine the role of this variant in disease. Therefore, it has been classified as a Variant of Uncertain Significance.

Fulgent Genetics
Classification: Uncertain significance for Meckel syndrome, type 8; Joubert syndrome 24. Last evaluated: 2023-12-28. Review status: criteria provided, single submitter. Criteria: ACMG Guidelines, 2015. Collection method: clinical testing. Allele origin: germline.

Ambry Genetics
Classification: Uncertain significance for Inborn genetic diseases. Last evaluated: 2023-12-09. Review status: criteria provided, single submitter. Criteria: Ambry Variant Classification Scheme 2023. Collection method: clinical testing. Allele origin: germline.

Genetic Services Laboratory, University of Chicago
Classification: Uncertain significance. Last evaluated: 2017-07-07. Review status: criteria provided, single submitter. Criteria: ACMG Guidelines, 2015. Collection method: clinical testing. Allele origin: germline. Affected: no.

NM_024809.5(TCTN2):c.1723G>A (p.Ala575Thr)

Gene: TCTN2 (tectonic family member 2; plus strand). Cytogenetic location: 12q24.31.
Variant type: single nucleotide variant.
Coding change: c.1723G>A on transcript NM_024809.5 (MANE Select); coding-DNA position 1723, G replaced by A.
Protein change: p.Ala575Thr; replaces alanine 575 with threonine.
Molecular consequence: missense variant.
Genome position (GRCh38, 1-based): chr12:123,704,642, G>A. VCF-style: chr12-123704642-G-A. GRCh37 (hg19) VCF-style: chr12-124189189-G-A.
Other names: c.1723G>A (NM_024809.3); c.1720G>A, p.Ala574Thr (NM_001143850.3); short protein forms A575T, A574T.
Identifiers: ClinVar variation 1040783 (VCV001040783.11), dbSNP rs202157566, ClinGen allele CA6861317.